The following is an entry in ClinVar:

ClinVar aggregate classification (germline): Uncertain significance (1 of 4 stars; one submission).

Submission:

GeneDx
Classification: Uncertain significance. Last evaluated: 2021-08-25. Review status: criteria provided, single submitter. Criteria: GeneDx Variant Classification Process June 2021. Collection method: clinical testing. Allele origin: germline. Affected: yes.
Comment: Not observed at significant frequency in large population cohorts (Lek et al., 2016); In silico analysis supports that this missense variant has a deleterious effect on protein structure/function; Has not been previously published as pathogenic or benign to our knowledge

NM_006015.6(ARID1A):c.5825G>A (p.Gly1942Asp)

Gene: ARID1A (AT-rich interaction domain 1A; plus strand). Cytogenetic location: 1p36.11.
Variant type: single nucleotide variant.
Coding change: c.5825G>A on transcript NM_006015.6 (MANE Select); coding-DNA position 5825, G replaced by A.
Protein change: p.Gly1942Asp; replaces glycine 1942 with aspartic acid.
Molecular consequence: missense variant.
Genome position (GRCh38, 1-based): chr1:26,779,723, G>A. VCF-style: chr1-26779723-G-A. GRCh37 (hg19) VCF-style: chr1-27106214-G-A.
Other names: c.5174G>A, p.Gly1725Asp (NM_139135.4); short protein forms G1725D, G1942D.
Identifiers: ClinVar variation 1313857 (VCV001313857.2), dbSNP rs2124143142, ClinGen allele CA339188396.